The following is an entry in ClinVar:

NM_018838.5(NDUFA12):c.244G>T (p.Val82Leu)

Gene: NDUFA12 (NADH:ubiquinone oxidoreductase subunit A12; minus strand). Cytogenetic location: 12q22.
Variant type: single nucleotide variant.
Coding change: c.244G>T on transcript NM_018838.5 (MANE Select); coding-DNA position 244, G replaced by T.
Protein change: p.Val82Leu; replaces valine 82 with leucine.
Molecular consequence: missense variant. On other transcripts: intron variant (1).
Genome position (GRCh38, 1-based): chr12:94,994,183, C>A on the plus strand (G>T on the coding strand, the complement: NDUFA12 is on the minus strand). VCF-style: chr12-94994183-C-A. GRCh37 (hg19) VCF-style: chr12-95387959-C-A.
Other names: c.169+8556G>T (NM_001258338.2); short protein forms V82L.
Identifiers: ClinVar variation 3361287 (VCV003361287.1).

ClinVar aggregate classification (germline): Uncertain significance (1 of 4 stars; one submission).

Submission:

GeneDx
Classification: Uncertain significance. Last evaluated: 2023-07-25. Review status: criteria provided, single submitter. Criteria: GeneDx Variant Classification Process June 2021. Collection method: clinical testing. Allele origin: germline. Affected: yes.
Comment: Has not been previously published as pathogenic or benign to our knowledge; Not observed at significant frequency in large population cohorts (gnomAD); In silico analysis supports that this missense variant does not alter protein structure/function